The following is an entry in ClinVar:

ClinVar aggregate classification (germline): Uncertain significance. Review status: criteria provided, multiple submitters, no conflicts (2 of 4 stars). 3 submissions from 3 submitters: Uncertain significance (3). Last evaluated 2025-08-18.

Conditions:
Hereditary breast ovarian cancer syndrome. Also called: Hereditary breast and ovarian cancer syndrome (HBOC); Hereditary breast and ovarian cancer syndrome; Breast and ovarian cancer; Hereditary breast and/or ovarian cancer syndrome; Hereditary breast and ovarian cancer; BRCA1- and BRCA2-Associated Hereditary Breast and Ovarian Cancer. Identifiers: Orphanet 145, MedGen C0677776, MeSH D061325, MONDO:0003582. Disease mechanism: loss of function.
Hereditary cancer-predisposing syndrome. Also called: Neoplastic Syndromes, Hereditary; Hereditary Cancer Syndrome; Hereditary neoplastic syndrome; Tumor predisposition. Identifiers: Orphanet 140162, MedGen C0027672, MeSH D009386, MONDO:0015356.

Submissions (3):

Ambry Genetics
Classification: Uncertain significance for Hereditary cancer-predisposing syndrome. Last evaluated: 2025-08-18. Review status: criteria provided, single submitter. Criteria: Ambry Variant Classification Scheme 2023. Collection method: clinical testing. Allele origin: germline.
Comment: The p.G1591D variant (also known as c.4772G>A), located in coding exon 14 of the BRCA1 gene, results from a G to A substitution at nucleotide position 4772. The glycine at codon 1591 is replaced by aspartic acid, an amino acid with similar properties. This amino acid position is poorly conserved in available vertebrate species. In addition, the in silico prediction for this alteration is inconclusive. Based on the available evidence, the clinical significance of this variant remains unclear.

Color Diagnostics, LLC DBA Color Health
Classification: Uncertain significance for Hereditary cancer-predisposing syndrome. Last evaluated: 2021-06-14. Review status: criteria provided, single submitter. Criteria: ACMG Guidelines, 2015. Collection method: clinical testing. Allele origin: germline.
Comment: This missense variant replaces glycine with aspartic acid at codon 1591 of the BRCA1 protein. Computational prediction is inconclusive regarding the impact of this variant on protein structure and function (internally defined REVEL score threshold 0.5 < inconclusive < 0.7, PMID: 27666373). To our knowledge, functional studies have not been reported for this variant. This variant has not been reported in individuals affected with hereditary cancer in the literature. This variant has not been identified in the general population by the Genome Aggregation Database (gnomAD). The available evidence is insufficient to determine the role of this variant in disease conclusively. Therefore, this variant is classified as a Variant of Uncertain Significance.

Labcorp Genetics (formerly Invitae), Labcorp
Classification: Uncertain significance for Hereditary breast ovarian cancer syndrome. Last evaluated: 2017-01-23. Review status: criteria provided, single submitter. Criteria: Invitae Variant Classification Sherloc (09022015). Collection method: clinical testing. Allele origin: germline.
Comment: This sequence change replaces glycine with aspartic acid at codon 1591 of the BRCA1 protein (p.Gly1591Asp). The glycine residue is weakly conserved and there is a moderate physicochemical difference between glycine and aspartic acid. This variant is not present in population databases (ExAC no frequency) and has not been reported in the literature in individuals with a BRCA1-related disease. Algorithms developed to predict the effect of missense changes on protein structure and function (SIFT, PolyPhen-2, Align-GVGD) all suggest that this variant is likely to be tolerated, but these predictions have not been confirmed by published functional studies. In summary, this variant is a novel missense change that is not predicted to affect protein function. There is no indication that it causes disease, but the available evidence is currently insufficient to prove that conclusively. Therefore, it has been classified as a Variant of Uncertain Significance.

NM_007294.4(BRCA1):c.4772G>A (p.Gly1591Asp)

Gene: BRCA1 (BRCA1 DNA repair associated; minus strand). Cytogenetic location: 17q21.31.
Variant type: single nucleotide variant.
Coding change: c.4772G>A on transcript NM_007294.4 (MANE Select); coding-DNA position 4772, G replaced by A.
Protein change: p.Gly1591Asp; replaces glycine 1591 with aspartic acid.
Molecular consequence: missense variant. On other transcripts: non-coding transcript variant (1).
Genome position (GRCh38, 1-based): chr17:43,071,142, C>T on the plus strand (G>A on the coding strand, the complement: BRCA1 is on the minus strand). VCF-style: chr17-43071142-C-T. GRCh37 (hg19) VCF-style: chr17-41223159-C-T.
Other names: c.4508G>A, p.Gly1503Asp (NM_001407920.1, NM_001407921.1, NM_001407922.1 and 4 more transcripts); c.1223G>A, p.Gly408Asp (NM_001408494.1); c.1250G>A, p.Gly417Asp (NM_001408491.1, NM_001408490.1, NM_001408481.1 and 5 more transcripts); c.1247G>A, p.Gly416Asp (NM_001408493.1, NM_001408492.1); c.1217G>A, p.Gly406Asp (NM_001408495.1); c.1199G>A, p.Gly400Asp (NM_001408496.1, NM_001408497.1, NM_001408498.1 and 3 more transcripts); c.4505G>A, p.Gly1502Asp (NM_001407927.1, NM_001407928.1, NM_001407929.1 and 4 more transcripts); c.4691G>A, p.Gly1564Asp (NM_001407656.1, NM_001407657.1, NM_001407658.1); and 70 more; short protein forms G1591D, G1544D, G1612D, G487D, G1422D, G1462D, G1463D, G1464D.
Identifiers: ClinVar variation 462655 (VCV000462655.13), dbSNP rs1555580956, ClinGen allele CA10591970.
Genomic context (GRCh38, chr17:43,071,142, plus strand): 5'-GCAGATTCTGCAACTTTCAATTGGGGAACTTTCAATGCAGAGGTTGAAGATGGTATGTTG[C>T]CAACACGAGCTGACTCTGGGGCTCTGTCTTCAGAAGGATCAGATTCAGGGTCATCAGAGA-3'
Protein context (NP_009225.1, residues 1581-1601): EDRAPESARV[Gly1591Asp]NIPSSTSALK